The following is an entry in ClinVar:

ClinVar aggregate classification (germline): Uncertain significance (1 of 4 stars; one submission).

Allele frequency attached by ClinVar (database versions not stated): 1000 Genomes Project 30x 0.00016; ESP Exome Variant Server 0.00032; ExAC 0.00033; gnomAD 0.00033 and 0.00034; TOPMed 0.00037; gnomAD exomes 0.00038.
gnomAD v4.1: 467 of 1,613,632 alleles (0.029%); highest among the groups gnomAD compares: Admixed American, 0.15%; no homozygotes.

Submission:

Labcorp Genetics (formerly Invitae), Labcorp
Classification: Uncertain significance. Last evaluated: 2022-10-13. Review status: criteria provided, single submitter. Criteria: Invitae Variant Classification Sherloc (09022015). Collection method: clinical testing. Allele origin: germline.
Comment: This sequence change replaces glutamine, which is neutral and polar, with histidine, which is basic and polar, at codon 945 of the CARMIL2 protein (p.Gln945His). This variant is present in population databases (rs201058720, gnomAD 0.1%). This variant has not been reported in the literature in individuals affected with CARMIL2-related conditions. ClinVar contains an entry for this variant (Variation ID: 1348401). Algorithms developed to predict the effect of missense changes on protein structure and function (SIFT, PolyPhen-2, Align-GVGD) all suggest that this variant is likely to be tolerated. In summary, the available evidence is currently insufficient to determine the role of this variant in disease. Therefore, it has been classified as a Variant of Uncertain Significance.

NM_001013838.3(CARMIL2):c.2835G>C (p.Gln945His)

Gene: CARMIL2 (capping protein regulator and myosin 1 linker 2; plus strand). Cytogenetic location: 16q22.1.
Variant type: single nucleotide variant.
Coding change: c.2835G>C on transcript NM_001013838.3 (MANE Select); coding-DNA position 2835, G replaced by C.
Protein change: p.Gln945His; replaces glutamine 945 with histidine.
Molecular consequence: missense variant.
Genome position (GRCh38, 1-based): chr16:67,652,489, G>C. VCF-style: chr16-67652489-G-C. GRCh37 (hg19) VCF-style: chr16-67686392-G-C.
Other names: c.2727G>C, p.Gln909His (NM_001317026.3); short protein forms Q909H, Q945H.
Identifiers: ClinVar variation 1348401 (VCV001348401.3), dbSNP rs201058720, ClinGen allele CA8113918.
Genomic context (GRCh38, chr16:67,652,489, plus strand): 5'-GGTGCTCTCCTACCCCAGGCTGAGTTTGTGCCCTCCCCACCAGGATGACAGTCCTCCACA[G>C]AAATGGCCTGAGCTCAGCCACGGTCTTCACCTGGTCCCCTTCATTCACAGTAAGTCAGGG-3'
Protein context (NP_001013860.1, residues 935-955): EEKEKDDSPP[Gln945His]KWPELSHGLH